The following is an entry in ClinVar:

ClinVar aggregate classification (germline): Uncertain significance (1 of 4 stars; one submission).

Submission:

Labcorp Genetics (formerly Invitae), Labcorp
Classification: Uncertain significance. Last evaluated: 2023-09-08. Review status: criteria provided, single submitter. Criteria: Invitae Variant Classification Sherloc (09022015). Collection method: clinical testing. Allele origin: unknown.
Comment: A copy number gain of the genomic region encompassing the full coding sequence of the KANK1 gene has been identified. The boundaries of this event are unknown as they extend beyond the assayed region for this gene and therefore may encompass additional genes. As the precise location of this event is unknown, it may be in tandem or it may be located elsewhere in the genome. This variant has not been reported in the literature in individuals affected with KANK1-related conditions. In summary, the available evidence is currently insufficient to determine the role of this variant in disease. Therefore, it has been classified as a Variant of Uncertain Significance.

NC_000009.11:g.(?_214977)_(2729727_?)dup

Genes: DMRT1 (doublesex and mab-3 related transcription factor 1; plus strand), DMRT2 (doublesex and mab-3 related transcription factor 2; plus strand), DMRT3 (doublesex and mab-3 related transcription factor 3; plus strand), DOCK8 (dedicator of cytokinesis 8; plus strand), DOCK8-AS1 (DOCK8 antisense RNA 1; minus strand) and 4 more. Cytogenetic location: 9p24.3-24.2.
Variant type: Duplication.
Identifiers: ClinVar variation 3245347 (VCV003245347.1).